The following is an entry in ClinVar:

NM_004722.4(AP4M1):c.1245G>A (p.Thr415=)

Gene: AP4M1 (adaptor related protein complex 4 subunit mu 1; plus strand). Cytogenetic location: 7q22.1.
Variant type: single nucleotide variant.
Coding change: c.1245G>A on transcript NM_004722.4 (MANE Select); coding-DNA position 1245, G replaced by A.
Protein change: p.Thr415=; no amino-acid change (threonine 415 retained).
Molecular consequence: synonymous variant.
Genome position (GRCh38, 1-based): chr7:100,106,765, G>A. VCF-style: chr7-100106765-G-A. GRCh37 (hg19) VCF-style: chr7-99704388-G-A.
Other names: c.1266G>A, p.Thr422= (NM_001363671.2).
Identifiers: ClinVar variation 700708 (VCV000700708.36), dbSNP rs142429364, ClinGen allele CA4375047.

ClinVar aggregate classification (germline): Likely benign. Review status: criteria provided, multiple submitters, no conflicts (2 of 4 stars). 3 submissions from 3 submitters: Likely benign (3). Last evaluated 2025-08-11.

Conditions:
Hereditary spastic paraplegia 50 (SPG50). Also called: Spastic paraplegia 50, autosomal recessive. Identifiers: Orphanet 280763, MedGen C2752008, MONDO:0013048, OMIM 612936.

Allele frequency attached by ClinVar (database versions not stated): gnomAD exomes 0.00003 and 0.00006; ExAC 0.00006; TOPMed 0.00012; ESP Exome Variant Server 0.00015; gnomAD 0.00015 and 0.00016; 1000 Genomes Project 30x 0.00016; 1000 Genomes Project 0.00020.
gnomAD v4.1: 66 of 1,614,060 alleles (0.0041%); highest among the groups gnomAD compares: African/African-American, 0.052%; no homozygotes.

Submissions (3):

Labcorp Genetics (formerly Invitae), Labcorp
Classification: Likely benign for Hereditary spastic paraplegia 50. Last evaluated: 2025-08-11. Review status: criteria provided, single submitter. Criteria: Invitae Variant Classification Sherloc (09022015). Collection method: clinical testing. Allele origin: germline.

CeGaT Center for Human Genetics Tuebingen
Classification: Likely benign. Last evaluated: 2024-05-01. Review status: criteria provided, single submitter. Criteria: CeGaT Center For Human Genetics Tuebingen Variant Classification Criteria Version 2. Collection method: clinical testing. Allele origin: germline. Affected: yes. Observed: 2 variant alleles.
Comment: AP4M1: BP4, BP7

Blueprint Genetics
Classification: Likely benign. Last evaluated: 2024-03-04. Review status: criteria provided, single submitter. Criteria: ACMG Guidelines, 2015. Collection method: clinical testing. Allele origin: germline.